The following is an entry in ClinVar:

NM_001371279.1(REEP1):c.515del (p.Pro172fs)

Gene: REEP1 (receptor accessory protein 1; minus strand). Cytogenetic location: 2p11.2.
Variant type: Deletion.
Coding change: c.515del on transcript NM_001371279.1 (MANE Select); coding-DNA position 515, one base deleted (C; older notation c.515delC).
Protein change: p.Pro172fs; shifts the reading frame from proline 172.
Molecular consequence: frameshift variant. On other transcripts: intron variant (1).
Genome position (GRCh38, 1-based): chr2:86,232,705, G deleted on the plus strand (C on the coding strand, the reverse complement: REEP1 is on the minus strand); the first of 2 consecutive G bases (chr2:86,232,705-86,232,706); deleting either gives the same sequence. VCF-style (leftmost placement, unchanged base first): chr2-86232704-TG-T. GRCh37 (hg19) VCF-style: chr2-86459827-TG-T.
Other names: c.515delC (NM_022912.2); c.536del, p.Pro179fs (NM_001164730.2); c.434del, p.Pro145fs (NM_001164731.2); c.280del, p.His94fs (NM_001164732.2); c.515del, p.Pro172fs (NM_022912.3); c.418-15595del (NM_001371280.1); short protein forms P172fs, P179fs, P145fs, H94fs.
Identifiers: ClinVar variation 653177 (VCV000653177.10), dbSNP rs1574005451, ClinGen allele CA915944073.

ClinVar aggregate classification (germline): Likely pathogenic (1 of 4 stars; one submission).

Conditions:
Hereditary spastic paraplegia 31. Also called: SPASTIC PARAPLEGIA 31, AUTOSOMAL DOMINANT. Identifiers: Orphanet 101011, MedGen C1853247, MONDO:0012453, OMIM 610250.

Submission:

Labcorp Genetics (formerly Invitae), Labcorp
Classification: Likely pathogenic for Hereditary spastic paraplegia 31. Last evaluated: 2019-01-15. Review status: criteria provided, single submitter. Criteria: Invitae Variant Classification Sherloc (09022015). Collection method: clinical testing. Allele origin: germline.
Comment: In summary, the currently available evidence indicates that the variant is pathogenic, but additional data are needed to prove that conclusively. Therefore, this variant has been classified as Likely Pathogenic. This variant disrupts the C-terminus of the REEP1 protein. Other variants that result in a similarly extended protein product (p.Gly180Leufs*38, p.Arg177Glyfs*46, p.Ser179Argfs*43) have been observed in families affected with hereditary spastic paraplegia (PMID: 16826527, 18321925, Invitae). This suggests that these extensions may be clinically significant. This variant has not been reported in the literature in individuals with REEP1-related disease. This variant is not present in population databases (ExAC no frequency). This sequence change results in a frameshift in the REEP1 gene (p.Pro172Hisfs*51). While this is not anticipated to result in nonsense mediated decay, it is expected to disrupt the last 30 amino acids of the REEP1 protein and extend the protein by an additional 21 amino acids.

Literature cited by the submitters: PubMed 16826527; PubMed 18321925.